The following is an entry in ClinVar:

ClinVar aggregate classification (germline): Uncertain significance. Review status: criteria provided, multiple submitters, no conflicts (2 of 4 stars). 4 submissions from 4 submitters: Uncertain significance (4). Last evaluated 2025-03-04.

Conditions:
Classic or attenuated familial adenomatous polyposis. Identifiers: MedGen CN372698, MONDO:0021057.
Hereditary cancer-predisposing syndrome. Also called: Hereditary neoplastic syndrome; Neoplastic Syndromes, Hereditary; Hereditary Cancer Syndrome; Tumor predisposition. Identifiers: Orphanet 140162, MedGen C0027672, MeSH D009386, MONDO:0015356.
Familial adenomatous polyposis 1 (FAP1). Also called: POLYPOSIS, ADENOMATOUS INTESTINAL; FAMILIAL ADENOMATOUS POLYPOSIS 1, ATTENUATED. Identifiers: MedGen C2713442, MONDO:0021056, OMIM 175100. Disease mechanism: loss of function.

Allele frequency attached by ClinVar (database versions not stated): gnomAD exomes below 0.00001.
gnomAD v4.1: 2 of 1,614,146 alleles (0.00012%); highest among the groups gnomAD compares: South Asian, 0.0011%; no homozygotes.

Submissions (4):

Center for Genomic Medicine, Rigshospitalet, Copenhagen University Hospital
Classification: Uncertain significance. Last evaluated: 2025-03-04. Review status: criteria provided, single submitter. Criteria: ACMG Guidelines, 2015. Collection method: clinical testing. Allele origin: germline.

Labcorp Genetics (formerly Invitae), Labcorp
Classification: Uncertain significance for Familial adenomatous polyposis 1. Last evaluated: 2024-04-15. Review status: criteria provided, single submitter. Criteria: Invitae Variant Classification Sherloc (09022015). Collection method: clinical testing. Allele origin: germline.
Comment: This sequence change replaces arginine, which is basic and polar, with leucine, which is neutral and non-polar, at codon 1589 of the APC protein (p.Arg1589Leu). This variant is present in population databases (no rsID available, gnomAD 0.0009%). This variant has not been reported in the literature in individuals affected with APC-related conditions. ClinVar contains an entry for this variant (Variation ID: 660029). Advanced modeling of protein sequence and biophysical properties (such as structural, functional, and spatial information, amino acid conservation, physicochemical variation, residue mobility, and thermodynamic stability) performed at Invitae indicates that this missense variant is not expected to disrupt APC protein function with a negative predictive value of 95%. In summary, the available evidence is currently insufficient to determine the role of this variant in disease. Therefore, it has been classified as a Variant of Uncertain Significance.

Ambry Genetics
Classification: Uncertain significance for Hereditary cancer-predisposing syndrome. Last evaluated: 2023-05-09. Review status: criteria provided, single submitter. Criteria: Ambry Variant Classification Scheme 2023. Collection method: clinical testing. Allele origin: germline.
Comment: The p.R1589L variant (also known as c.4766G>T), located in coding exon 15 of the APC gene, results from a G to T substitution at nucleotide position 4766. The arginine at codon 1589 is replaced by leucine, an amino acid with dissimilar properties. This amino acid position is not well conserved in available vertebrate species. In addition, in silico predictors for this gene do not accurately predict pathogenicity. Since supporting evidence is limited at this time, the clinical significance of this alteration remains unclear.

All of Us Research Program, National Institutes of Health
Classification: Uncertain significance for Classic or attenuated familial adenomatous polyposis. Last evaluated: 2023-04-10. Review status: criteria provided, single submitter. Criteria: ACMG Guidelines, 2015. Collection method: clinical testing. Allele origin: germline. Inheritance: Autosomal dominant inheritance. Observed: 1 variant allele, 1 heterozygote.
Comment: This missense variant replaces arginine with leucine at codon 1589 of the APC protein. Computational prediction suggests that this variant may not impact protein structure and function (internally defined REVEL score threshold <= 0.5, PMID: 27666373). To our knowledge, functional studies have not been reported for this variant. This variant has not been reported in individuals affected with APC-related disorders in the literature. This variant has been identified in 1/251122 chromosomes in the general population by the Genome Aggregation Database (gnomAD). The available evidence is insufficient to determine the role of this variant in disease conclusively. Therefore, this variant is classified as a Variant of Uncertain Significance.

This study involves interpretation of variants in research participants for the purpose of population health screening. Participant phenotype was not available at the time of variant classification. Additional details can be found in publication PMID: 35346344, PMCID: PMC8962531

NM_000038.6(APC):c.4766G>T (p.Arg1589Leu)

Gene: APC (APC regulator of Wnt signaling pathway; plus strand). Cytogenetic location: 5q22.2.
Variant type: single nucleotide variant.
Coding change: c.4766G>T on transcript NM_000038.6 (MANE Select); coding-DNA position 4766, G replaced by T.
Protein change: p.Arg1589Leu; replaces arginine 1589 with leucine.
Molecular consequence: missense variant.
Genome position (GRCh38, 1-based): chr5:112,840,360, G>T. VCF-style: chr5-112840360-G-T. GRCh37 (hg19) VCF-style: chr5-112176057-G-T.
Other names: c.4766G>T, p.Arg1589Leu (NM_001127510.3, NM_001354895.2); c.4712G>T, p.Arg1571Leu (NM_001127511.3); c.4820G>T, p.Arg1607Leu (NM_001354896.2); c.4796G>T, p.Arg1599Leu (NM_001354897.2); c.4691G>T, p.Arg1564Leu (NM_001354898.2); c.4682G>T, p.Arg1561Leu (NM_001354899.2); c.4643G>T, p.Arg1548Leu (NM_001354900.2); c.4286G>T, p.Arg1429Leu (NM_001354905.2); and 5 more; short protein forms R1429L, R1463L, R1548L, R1564L, R1599L, R1488L, R1498L, R1561L.
Identifiers: ClinVar variation 660029 (VCV000660029.16), dbSNP rs374048423, ClinGen allele CA16031780.
Genomic context (GRCh38, chr5:112,840,360, plus strand): 5'-ATGATGATATTGAAATACTAGAAGAATGTATTATTTCTGCCATGCCAACAAAGTCATCAC[G>T]TAAAGCAAAAAAGCCAGCCCAGACTGCTTCAAAATTACCTCCACCTGTGGCAAGGAAACC-3'
Protein context (NP_000029.2, residues 1579-1599): IISAMPTKSS[Arg1589Leu]KAKKPAQTAS